The following is an entry in ClinVar:

NM_004958.4(MTOR):c.7634+6T>C

Gene: MTOR (mechanistic target of rapamycin kinase; minus strand). Cytogenetic location: 1p36.22.
Variant type: single nucleotide variant.
Coding change: c.7634+6T>C on transcript NM_004958.4 (MANE Select); 6 bases into the intron after coding-DNA position 7634, T replaced by C.
Molecular consequence: intron variant.
Genome position (GRCh38, 1-based): chr1:11,108,175, A>G on the plus strand (T>C on the coding strand, the complement: MTOR is on the minus strand). VCF-style: chr1-11108175-A-G. GRCh37 (hg19) VCF-style: chr1-11168232-A-G.
Identifiers: ClinVar variation 862815 (VCV000862815.10), dbSNP rs200829838, ClinGen allele CA588778.

ClinVar aggregate classification (germline): Uncertain significance (1 of 4 stars; one submission).

Allele frequency attached by ClinVar (database versions not stated): gnomAD exomes 0.00002 and 0.00003; ExAC 0.00004; gnomAD 0.00004 and 0.00005; TOPMed 0.00005; ESP Exome Variant Server 0.00015; 1000 Genomes Project 30x 0.00016; 1000 Genomes Project 0.00020.
gnomAD v4.1: 30 of 1,611,484 alleles (0.0019%); highest among the groups gnomAD compares: African/African-American, 0.039%; no homozygotes.

Submission:

Labcorp Genetics (formerly Invitae), Labcorp
Classification: Uncertain significance. Last evaluated: 2025-10-24. Review status: criteria provided, single submitter. Criteria: Invitae Variant Classification Sherloc (09022015). Collection method: clinical testing. Allele origin: germline.
Comment: This sequence change falls in intron 57 of the MTOR gene. It does not directly change the encoded amino acid sequence of the MTOR protein. It affects a nucleotide within the consensus splice site. This variant is present in population databases (rs200829838, gnomAD 0.04%). This variant has not been reported in the literature in individuals affected with MTOR-related conditions. ClinVar contains an entry for this variant (Variation ID: 862815). Variants that disrupt the consensus splice site are a relatively common cause of aberrant splicing (PMID: 17576681, 9536098). Algorithms developed to predict the effect of sequence changes on RNA splicing suggest that this variant is not likely to affect RNA splicing. In summary, the available evidence is currently insufficient to determine the role of this variant in disease. Therefore, it has been classified as a Variant of Uncertain Significance.

Literature cited by the submitters: PubMed 17576681; PubMed 9536098.